The following is an entry in ClinVar:

NM_022834.5(VWA1):c.586G>A (p.Asp196Asn)

Gene: VWA1 (von Willebrand factor A domain containing 1; plus strand). Cytogenetic location: 1p36.33.
Variant type: single nucleotide variant.
Coding change: c.586G>A on transcript NM_022834.5 (MANE Select); coding-DNA position 586, G replaced by A.
Protein change: p.Asp196Asn; replaces aspartic acid 196 with asparagine.
Molecular consequence: missense variant.
Genome position (GRCh38, 1-based): chr1:1,437,439, G>A. VCF-style: chr1-1437439-G-A. GRCh37 (hg19) VCF-style: chr1-1372819-G-A.
Other names: p.Asp196Asn; c.191G>A, p.Gly64Glu (NM_199121.3); short protein forms D196N, G64E.
Identifiers: ClinVar variation 3379764 (VCV003379764.1).

ClinVar aggregate classification (germline): Uncertain significance (1 of 4 stars; one submission).

Submission:

Mayo Clinic Laboratories, Mayo Clinic
Classification: Uncertain significance. Last evaluated: 2024-02-20. Review status: criteria provided, single submitter. Criteria: ACMG Guidelines, 2015. Collection method: clinical testing. Allele origin: germline. Observed: 1 variant allele.
Comment: PP3, PM2